The following is an entry in ClinVar:

ClinVar aggregate classification (germline): Uncertain significance (1 of 4 stars; one submission).

Conditions:
Congenital contractural arachnodactyly (CCA). Also called: BEALS SYNDROME; Arthrogryposis, distal, type 9; Beals-Hecht syndrome. Identifiers: Orphanet 115, MedGen C0220668, MONDO:0007363, OMIM 121050.

Submission:

Labcorp Genetics (formerly Invitae), Labcorp
Classification: Uncertain significance for Congenital contractural arachnodactyly. Last evaluated: 2025-04-11. Review status: criteria provided, single submitter. Criteria: Invitae Variant Classification Sherloc (09022015). Collection method: clinical testing. Allele origin: germline.
Comment: This sequence change creates a premature translational stop signal (p.Gly1906Alafs*69) in the FBN2 gene. It is expected to result in an absent or disrupted protein product. However, the current clinical and genetic evidence is not sufficient to establish whether loss-of-function variants in FBN2 cause disease. This variant is not present in population databases (gnomAD no frequency). This variant has not been reported in the literature in individuals affected with FBN2-related conditions. ClinVar contains an entry for this variant (Variation ID: 3660276). In summary, the available evidence is currently insufficient to determine the role of this variant in disease. Therefore, it has been classified as a Variant of Uncertain Significance.

NM_001999.4(FBN2):c.5717del (p.Gly1906fs)

Gene: FBN2 (fibrillin 2; minus strand). Cytogenetic location: 5q23.3.
Variant type: Deletion.
Coding change: c.5717del on transcript NM_001999.4 (MANE Select); coding-DNA position 5717, one base deleted (G; older notation c.5717delG).
Protein change: p.Gly1906fs; shifts the reading frame from glycine 1906.
Molecular consequence: frameshift variant.
Genome position (GRCh38, 1-based): chr5:128,305,040, C deleted on the plus strand (G on the coding strand, the reverse complement: FBN2 is on the minus strand); the first of 2 consecutive C bases (chr5:128,305,040-128,305,041); deleting either gives the same sequence. VCF-style (leftmost placement, unchanged base first): chr5-128305039-GC-G. GRCh37 (hg19) VCF-style: chr5-127640731-GC-G.
Other names: short protein forms G1906fs.
Identifiers: ClinVar variation 3660276 (VCV003660276.2).
Genomic context (GRCh38, chr5:128,305,039, plus strand): 5'-AGAAGCCTTAAAGCCATTGTGGCAGATGCACTGGTAACTTCCTTGCAGATCAACACACAA[GC>G]CATGACTGCAAACGTTAGGAATTTCTAAACATTCATTGCGATCTAAAACAGAAAAAAATA-3'